The following is an entry in ClinVar:

ClinVar aggregate classification (germline): Pathogenic (1 of 4 stars; one submission).

Conditions:
Desmin-related myofibrillar myopathy (MFM1). Also called: Desminopathy; Desmin related myopathy (former name); Desmin storage myopathy (former name); MYOFIBRILLAR MYOPATHY WITH ARRHYTHMOGENIC RIGHT VENTRICULAR CARDIOMYOPATHY; DESMIN-RELATED MYOPATHY WITH ARRHYTHMOGENIC RIGHT VENTRICULAR CARDIOMYOPATHY; Myofibrillar myopathy 1. Identifiers: Orphanet 363543, Orphanet 98909, MedGen C1832370, MONDO:0011076, OMIM 601419.

Submission:

Labcorp Genetics (formerly Invitae), Labcorp
Classification: Pathogenic for Desmin-related myofibrillar myopathy. Last evaluated: 2025-06-23. Review status: criteria provided, single submitter. Criteria: Invitae Variant Classification Sherloc (09022015). Collection method: clinical testing. Allele origin: germline.
Comment: This sequence change creates a premature translational stop signal (p.Lys318Serfs*4) in the DES gene. It is expected to result in an absent or disrupted protein product. Loss-of-function variants in DES are known to be pathogenic (PMID: 23575897). This variant is not present in population databases (gnomAD no frequency). This variant has not been reported in the literature in individuals affected with DES-related conditions. For these reasons, this variant has been classified as Pathogenic.

Literature cited by the submitters: PubMed 23575897.

NM_001927.4(DES):c.951del (p.Lys318fs)

Gene: DES (desmin; plus strand). Cytogenetic location: 2q35.
Variant type: Deletion.
Coding change: c.951del on transcript NM_001927.4 (MANE Select); coding-DNA position 951, one base deleted (C; older notation c.951delC).
Protein change: p.Lys318fs; shifts the reading frame from lysine 318.
Molecular consequence: frameshift variant. On other transcripts: intron variant (1).
Genome position (GRCh38, 1-based): chr2:219,420,881, C deleted; the last of 2 consecutive C bases (chr2:219,420,880-219,420,881); deleting either gives the same sequence. VCF-style (leftmost placement, unchanged base first): chr2-219420879-GC-G. GRCh37 (hg19) VCF-style: chr2-220285601-GC-G.
Other names: c.948del, p.Lys317fs (NM_001382708.1); c.951del, p.Lys318fs (NM_001382710.1, NM_001382711.1, NM_001382712.1); c.681del, p.Lys228fs (NM_001382713.1); c.735+535del (NM_001382709.1); short protein forms K318fs, K228fs, K317fs.
Identifiers: ClinVar variation 4785136 (VCV004785136.1).